The following is an entry in ClinVar:

ClinVar aggregate classification (germline): Likely benign (0 of 4 stars; one submission).

Conditions:
ACTG1-related disorder. Also called: ACTG1-related condition; ACTG1-related disorders.

Allele frequency attached by ClinVar (database versions not stated): TOPMed below 0.00001.

Submission:

PreventionGenetics, part of Exact Sciences
Classification: Likely benign for ACTG1-related condition. Last evaluated: 2022-02-17. Review status: no assertion criteria provided. Collection method: clinical testing. Allele origin: germline.
Comment: This variant is classified as likely benign based on ACMG/AMP sequence variant interpretation guidelines (Richards et al. 2015 PMID: 25741868, with internal and published modifications).

NM_001614.5(ACTG1):c.123+8G>C

Gene: ACTG1 (actin gamma 1; minus strand). Cytogenetic location: 17q25.3.
Variant type: single nucleotide variant.
Coding change: c.123+8G>C on transcript NM_001614.5 (MANE Select); 8 bases into the intron after coding-DNA position 123, G replaced by C.
Molecular consequence: intron variant.
Genome position (GRCh38, 1-based): chr17:81,512,224, C>G on the plus strand (G>C on the coding strand, the complement: ACTG1 is on the minus strand). VCF-style: chr17-81512224-C-G. GRCh37 (hg19) VCF-style: chr17-79479250-C-G.
Other names: c.123+8G>C (NM_001199954.3).
Identifiers: ClinVar variation 3029092 (VCV003029092.2), dbSNP rs536476533, ClinGen allele CA8836382.
Genomic context (GRCh38, chr17:81,512,224, plus strand): 5'-CCTCGCCGGCGACACCGAACCCACCCCGCAACGCAGAACCCAGGAGCCCCGCGGCGCCAT[C>G]CACTCACCTGGTGTCTGGGGCGCCCGACGATGGAAGGAAACACGGCTCGGGGAGCGTCGT-3'